The following is an entry in ClinVar:

ClinVar aggregate classification (germline): Pathogenic (1 of 4 stars; one submission).

Conditions:
Nemaline myopathy 2 (NEM2). Also called: Nemaline myopathy 2, autosomal recessive. Identifiers: MedGen C1850569, MONDO:0009725, OMIM 256030.

Submission:

Myriad Genetics, Inc.
Classification: Pathogenic for Nemaline myopathy 2. Last evaluated: 2026-04-22. Review status: criteria provided, single submitter. Criteria: Myriad Autosomal Dominant, Autosomal Recessive and X-Linked Classification Criteria (2023). Collection method: clinical testing. Allele origin: unknown.
Comment: NM_001271208.1(NEB):c.24693C>A(Y8231*) is expected to be pathogenic in the context of NEB-related nemaline myopathy. This variant is predicted to lead to an abnormal or absent protein product due to the creation of a premature termination codon in NEB, a gene where loss-of-function variants are known to be pathogenic. Please note: this variant was assessed in the context of healthy population screening.

NM_001164508.2(NEB):c.24588C>A (p.Tyr8196Ter)

Genes: NEB (nebulin; minus strand), RIF1 (replication timing regulatory factor 1; plus strand). Cytogenetic location: 2q23.3.
Variant type: single nucleotide variant.
Coding change: c.24588C>A on transcript NM_001164508.2 (MANE Select); coding-DNA position 24588, C replaced by A.
Protein change: p.Tyr8196Ter; replaces tyrosine 8196 with a stop codon.
Molecular consequence: nonsense.
Genome position (GRCh38, 1-based): chr2:151,493,859, G>T on the plus strand (C>A on the coding strand, the complement: NEB is on the minus strand). VCF-style: chr2-151493859-G-T. GRCh37 (hg19) VCF-style: chr2-152350373-G-T.
Other names: c.24588C>A, p.Tyr8196Ter (NM_001164507.2); c.24693C>A, p.Tyr8231Ter (NM_001271208.2); c.19020C>A, p.Tyr6340Ter (NM_004543.5); short protein forms Y6340*, Y8196*, Y8231*.
Identifiers: ClinVar variation 5015821 (VCV005015821.1).